The following is an entry in ClinVar:

NM_025137.4(SPG11):c.3213_3214insCCCT (p.Val1072fs)

Gene: SPG11 (SPG11 vesicle trafficking associated, spatacsin; minus strand). Cytogenetic location: 15q21.1.
Variant type: Insertion.
Coding change: c.3213_3214insCCCT on transcript NM_025137.4 (MANE Select); coding-DNA positions 3213 to 3214, CCCT inserted.
Protein change: p.Val1072fs; shifts the reading frame from valine 1072.
Molecular consequence: frameshift variant.
Genome position: GRCh38 VCF-style: chr15-44610917-C-CAGGG. GRCh37 (hg19) VCF-style: chr15-44903115-C-CAGGG.
Other names: c.3213_3214insCCCT, p.Val1072fs (NM_001160227.2); short protein forms V1072fs.
Identifiers: ClinVar variation 406456 (VCV000406456.10), dbSNP rs767798272, ClinGen allele CA7535025.

ClinVar aggregate classification (germline): Pathogenic. Review status: criteria provided, multiple submitters, no conflicts (2 of 4 stars). 2 submissions from 2 submitters: Pathogenic (2). Last evaluated 2024-02-16.

Conditions:
Inborn genetic diseases. Identifiers: MedGen C0950123, MeSH D030342.
Hereditary spastic paraplegia 11. Also called: Spastic Paraplegia 11; Spastic paraplegia, mental retardation and thin corpus callosum; Nakamura Osame syndrome; Autosomal recessive hereditary spastic paraplegia, mental impairment, and thin corpus callosum; SPASTIC PARAPLEGIA, AUTOSOMAL RECESSIVE, COMPLICATED, WITH THIN CORPUS CALLOSUM; SPASTIC PARAPLEGIA, AUTOSOMAL RECESSIVE, WITH MENTAL IMPAIRMENT AND THIN CORPUS CALLOSUM. Identifiers: Orphanet 2822, MedGen C1858479, MONDO:0011445, OMIM 604360.

Submissions (2):

Labcorp Genetics (formerly Invitae), Labcorp
Classification: Pathogenic for Hereditary spastic paraplegia 11. Last evaluated: 2024-02-16. Review status: criteria provided, single submitter. Criteria: Invitae Variant Classification Sherloc (09022015). Collection method: clinical testing. Allele origin: germline.
Comment: This sequence change creates a premature translational stop signal (p.Val1072Profs*32) in the SPG11 gene. It is expected to result in an absent or disrupted protein product. Loss-of-function variants in SPG11 are known to be pathogenic (PMID: 19105190, 20110243, 22154821, 26556829). This variant is present in population databases (rs767798272, gnomAD 0.003%). This variant has not been reported in the literature in individuals affected with SPG11-related conditions. ClinVar contains an entry for this variant (Variation ID: 406456). For these reasons, this variant has been classified as Pathogenic.

Ambry Genetics
Classification: Pathogenic for Inborn genetic diseases. Last evaluated: 2022-03-25. Review status: criteria provided, single submitter. Criteria: Ambry Variant Classification Scheme 2023. Collection method: clinical testing. Allele origin: germline.
Comment: The c.3213_3214insCCCT pathogenic mutation, located in coding exon 18 of the SPG11 gene, results from an insertion of 4 nucleotides at position 3213, causing a translational frameshift with a predicted alternate stop codon (p.V1072Pfs*32). This variant is considered to be rare based on population cohorts in the Genome Aggregation Database (gnomAD). This alteration is expected to result in loss of function by premature protein truncation or nonsense-mediated mRNA decay. As such, this alteration is interpreted as a disease-causing mutation.

Literature cited by the submitters: PubMed 19105190 (cited by Labcorp Genetics (formerly Invitae), Labcorp); PubMed 20110243 (cited by Labcorp Genetics (formerly Invitae), Labcorp); PubMed 22154821 (cited by Labcorp Genetics (formerly Invitae), Labcorp); PubMed 26556829 (cited by Labcorp Genetics (formerly Invitae), Labcorp).